The following is an entry in ClinVar:

NM_000458.4(HNF1B):c.1206+3_1206+6dup

Gene: HNF1B (HNF1 homeobox B; minus strand). Cytogenetic location: 17q12.
Variant type: Duplication.
Coding change: c.1206+3_1206+6dup on transcript NM_000458.4 (MANE Select); bases 3 to 6 of the intron after coding-DNA position 1206, 4 bases duplicated (GAGT; older notation c.1206+3_1206+6dupGAGT).
Molecular consequence: splice donor variant.
Genome position (GRCh38, 1-based): chr17:37,710,497-37,710,500, ACTC duplicated on the plus strand (GAGT on the coding strand, the reverse complement: HNF1B is on the minus strand); duplicating any 4 consecutive bases within chr17:37,710,497-37,710,502 gives the same sequence; the c. name uses the placement nearest the transcript's 3' end. VCF-style (leftmost placement, unchanged base first): chr17-37710496-T-TACTC. GRCh37 (hg19) VCF-style: chr17-36070504-T-TACTC.
Other names: c.1128+3_1128+6dup (NM_001304286.2, NM_001165923.4); c.1206+3_1206+6dup (NM_001411100.1); c.1206+3_1206+6dupGAGT (NM_000458.4).
Identifiers: ClinVar variation 3374848 (VCV003374848.1).

ClinVar aggregate classification (germline): Uncertain significance (1 of 4 stars; one submission).

Submission:

Women's Health and Genetics/Laboratory Corporation of America, LabCorp
Classification: Uncertain significance. Last evaluated: 2024-09-12. Review status: criteria provided, single submitter. Criteria: LabCorp Variant Classification Summary - May 2015. Collection method: clinical testing. Allele origin: germline.
Comment: Variant summary: HNF1B c.1206+3_1206+6dupGAGT alters conserved nucleotides located close to a canonical splice site and therefore could affect mRNA splicing, leading to a significantly altered protein sequence. Several computational tools predict a significant impact on normal splicing: Three predict the variant creates a cryptic 5' donor site. One predict the variant no significant impact on splicing. However, these predictions have yet to be confirmed by functional studies. The variant was absent in 251420 control chromosomes. The available data on variant occurrences in the general population are insufficient to allow any conclusion about variant significance. To our knowledge, no occurrence of c.1206+3_1206+6dupGAGT in individuals affected with Maturity Onset Diabetes Of The Young 5 (Renal Cysts And Diabetes Syndrome) and no experimental evidence demonstrating its impact on protein function have been reported. No submitters have cited clinical-significance assessments for this variant to ClinVar. Based on the evidence outlined above, the variant was classified as uncertain significance.